The following is an entry in ClinVar:

ClinVar aggregate classification (germline): Uncertain significance (1 of 4 stars; one submission).

Conditions:
X-linked severe combined immunodeficiency (SCIDX1). Also called: X-Linked Combined Immunodeficiency Diseases; IMMUNODEFICIENCY 4; SCID, X-LINKED; SEVERE COMBINED IMMUNODEFICIENCY, X-LINKED, T CELL-NEGATIVE, B CELL-POSITIVE, NK CELL-NEGATIVE; T-B+ severe combined immunodeficiency due to gamma chain deficiency. Identifiers: Orphanet 276, MedGen C6022468, MONDO:0010315, OMIM 300400. Disease mechanism: loss of function.

Submission:

Labcorp Genetics (formerly Invitae), Labcorp
Classification: Uncertain significance for X-linked severe combined immunodeficiency. Last evaluated: 2024-02-23. Review status: criteria provided, single submitter. Criteria: Invitae Variant Classification Sherloc (09022015). Collection method: clinical testing. Allele origin: germline.
Comment: This sequence change replaces lysine, which is basic and polar, with isoleucine, which is neutral and non-polar, at codon 164 of the IL2RG protein (p.Lys164Ile). This variant is not present in population databases (gnomAD no frequency). This variant has not been reported in the literature in individuals affected with IL2RG-related conditions. ClinVar contains an entry for this variant (Variation ID: 2118601). Advanced modeling of protein sequence and biophysical properties (such as structural, functional, and spatial information, amino acid conservation, physicochemical variation, residue mobility, and thermodynamic stability) performed at Invitae indicates that this missense variant is not expected to disrupt IL2RG protein function with a negative predictive value of 80%. In summary, the available evidence is currently insufficient to determine the role of this variant in disease. Therefore, it has been classified as a Variant of Uncertain Significance.

NM_000206.3(IL2RG):c.491A>T (p.Lys164Ile)

Gene: IL2RG (interleukin 2 receptor subunit gamma; minus strand). Cytogenetic location: Xq13.1.
Variant type: single nucleotide variant.
Coding change: c.491A>T on transcript NM_000206.3 (MANE Select); coding-DNA position 491, A replaced by T.
Protein change: p.Lys164Ile; replaces lysine 164 with isoleucine.
Molecular consequence: missense variant.
Genome position (GRCh38, 1-based): chrX:71,110,259, T>A on the plus strand (A>T on the coding strand, the complement: IL2RG is on the minus strand). VCF-style: chrX-71110259-T-A. GRCh37 (hg19) VCF-style: chrX-70330109-T-A.
Other names: short protein forms K164I.
Identifiers: ClinVar variation 2118601 (VCV002118601.4), dbSNP rs1009255987, ClinGen allele CA413496431.